The following is an entry in ClinVar:

ClinVar aggregate classification (germline): Likely benign. Review status: criteria provided, multiple submitters, no conflicts (2 of 4 stars). 2 submissions from 2 submitters: Likely benign (2). Last evaluated 2025-09-01.

Allele frequency attached by ClinVar (database versions not stated): gnomAD exomes below 0.00001 and 0.00001; gnomAD 0.00001; TOPMed 0.00002.
gnomAD v4.1: 5 of 1,609,978 alleles (0.00031%); highest among the groups gnomAD compares: Admixed American, 0.0033%; no homozygotes.

Submissions (2):

CeGaT Center for Human Genetics Tuebingen
Classification: Likely benign. Last evaluated: 2025-09-01. Review status: criteria provided, single submitter. Criteria: CeGaT Center For Human Genetics Tuebingen Variant Classification Criteria Version 2. Collection method: clinical testing. Allele origin: germline. Affected: yes. Observed: 1 variant allele.
Comment: TUBB2A: BP4

Labcorp Genetics (formerly Invitae), Labcorp
Classification: Likely benign. Last evaluated: 2023-11-08. Review status: criteria provided, single submitter. Criteria: Invitae Variant Classification Sherloc (09022015). Collection method: clinical testing. Allele origin: germline.

NM_001069.3(TUBB2A):c.167-5T>C

Gene: TUBB2A (tubulin beta 2A class IIa; minus strand). Cytogenetic location: 6p25.2.
Variant type: single nucleotide variant.
Coding change: c.167-5T>C on transcript NM_001069.3 (MANE Select); 5 bases into the intron before coding-DNA position 167, T replaced by C.
Molecular consequence: intron variant.
Genome position (GRCh38, 1-based): chr6:3,155,740, A>G on the plus strand (T>C on the coding strand, the complement: TUBB2A is on the minus strand). VCF-style: chr6-3155740-A-G. GRCh37 (hg19) VCF-style: chr6-3155974-A-G.
Other names: c.-221-5T>C (NM_001310315.2).
Identifiers: ClinVar variation 1564598 (VCV001564598.15), dbSNP rs1344256257, ClinGen allele CA565056299.